The following is an entry in ClinVar:

ClinVar aggregate classification (germline): Uncertain significance. Review status: criteria provided, multiple submitters, no conflicts (2 of 4 stars). 2 submissions from 2 submitters: Uncertain significance (2). Last evaluated 2025-09-17.

Conditions:
Hereditary cancer-predisposing syndrome. Also called: Neoplastic Syndromes, Hereditary; Tumor predisposition; Hereditary Cancer Syndrome; Hereditary neoplastic syndrome. Identifiers: Orphanet 140162, MedGen C0027672, MeSH D009386, MONDO:0015356.

Submissions (2):

Ambry Genetics
Classification: Uncertain significance for Hereditary cancer-predisposing syndrome. Last evaluated: 2025-09-17. Review status: criteria provided, single submitter. Criteria: Ambry Variant Classification Scheme 2023. Collection method: clinical testing. Allele origin: germline.
Comment: The c.3579A>G variant (also known as p.R1193R), located in coding exon 29 of the POLE gene, results from an A to G substitution at nucleotide position 3579. This nucleotide substitution does not change the amino acid at codon 1193. This nucleotide position is well conserved in available vertebrate species. In silico splice site analysis predicts that this alteration will result in the creation or strengthening of a novel splice donor site. Based on the available evidence, the clinical significance of this variant remains unclear.

Labcorp Genetics (formerly Invitae), Labcorp
Classification: Uncertain significance. Last evaluated: 2025-07-18. Review status: criteria provided, single submitter. Criteria: Invitae Variant Classification Sherloc (09022015). Collection method: clinical testing. Allele origin: germline.
Comment: This sequence change affects codon 1193 of the POLE mRNA. It is a 'silent' change, meaning that it does not change the encoded amino acid sequence of the POLE protein. This variant is not present in population databases (gnomAD no frequency). This variant has not been reported in the literature in individuals affected with POLE-related conditions. Algorithms developed to predict the effect of sequence changes on RNA splicing suggest that this variant may disrupt the consensus splice site. In summary, the available evidence is currently insufficient to determine the role of this variant in disease. Therefore, it has been classified as a Variant of Uncertain Significance.

NM_006231.4(POLE):c.3579A>G (p.Arg1193=)

Gene: POLE (DNA polymerase epsilon, catalytic subunit; minus strand). Cytogenetic location: 12q24.33.
Variant type: single nucleotide variant.
Coding change: c.3579A>G on transcript NM_006231.4 (MANE Select); coding-DNA position 3579, A replaced by G.
Protein change: p.Arg1193=; no amino-acid change (arginine 1193 retained).
Molecular consequence: synonymous variant.
Genome position (GRCh38, 1-based): chr12:132,657,139, T>C on the plus strand (A>G on the coding strand, the complement: POLE is on the minus strand). VCF-style: chr12-132657139-T-C. GRCh37 (hg19) VCF-style: chr12-133233725-T-C.
Identifiers: ClinVar variation 4671450 (VCV004671450.2).